The following is an entry in ClinVar:

NM_004370.6(COL12A1):c.7086+4A>G

Gene: COL12A1 (collagen type XII alpha 1 chain; minus strand). Cytogenetic location: 6q13.
Variant type: single nucleotide variant.
Coding change: c.7086+4A>G on transcript NM_004370.6 (MANE Select); 4 bases into the intron after coding-DNA position 7086, A replaced by G.
Molecular consequence: intron variant.
Genome position (GRCh38, 1-based): chr6:75,121,298, T>C on the plus strand (A>G on the coding strand, the complement: COL12A1 is on the minus strand). VCF-style: chr6-75121298-T-C. GRCh37 (hg19) VCF-style: chr6-75831014-T-C.
Other names: c.3594+4A>G (NM_001424116.1, NM_080645.3); c.6813+4A>G (NM_001424115.1); c.7065+4A>G (NM_001424114.1); c.7086+4A>G (NM_001424113.1).
Identifiers: ClinVar variation 2927974 (VCV002927974.3), dbSNP rs1392023260, ClinGen allele CA568126603.

ClinVar aggregate classification (germline): Uncertain significance (1 of 4 stars; one submission).

Conditions:
Ullrich congenital muscular dystrophy 2 (UCMD2). Identifiers: Orphanet 75840, MedGen C4225314, MONDO:0014654, OMIM 616470.
Bethlem myopathy 2 (BTHLM2). Identifiers: Orphanet 536516, Orphanet 610, MedGen C4225313, MONDO:0034022, OMIM 616471.

Allele frequency attached by ClinVar (database versions not stated): gnomAD 0.00001; gnomAD exomes below 0.00001.
gnomAD v4.1: 2 of 1,590,952 alleles (0.00013%); highest among the groups gnomAD compares: Middle Eastern, 0.017%; no homozygotes.

Submission:

Labcorp Genetics (formerly Invitae), Labcorp
Classification: Uncertain significance for Bethlem myopathy 2; Ullrich congenital muscular dystrophy 2. Last evaluated: 2025-03-31. Review status: criteria provided, single submitter. Criteria: Invitae Variant Classification Sherloc (09022015). Collection method: clinical testing. Allele origin: germline.
Comment: This sequence change falls in intron 44 of the COL12A1 gene. It does not directly change the encoded amino acid sequence of the COL12A1 protein. It affects a nucleotide within the consensus splice site. This variant is present in population databases (no rsID available, gnomAD 0.3%). This variant has not been reported in the literature in individuals affected with COL12A1-related conditions. ClinVar contains an entry for this variant (Variation ID: 2927974). Variants that disrupt the consensus splice site are a relatively common cause of aberrant splicing (PMID: 17576681, 9536098). Algorithms developed to predict the effect of sequence changes on RNA splicing suggest that this variant is not likely to affect RNA splicing. In summary, the available evidence is currently insufficient to determine the role of this variant in disease. Therefore, it has been classified as a Variant of Uncertain Significance.

Literature cited by the submitters: PubMed 17576681; PubMed 9536098.